The following is an entry in ClinVar:

NM_020937.4(FANCM):c.1338T>A (p.Ser446Arg)

Gene: FANCM (FA complementation group M; plus strand). Cytogenetic location: 14q21.2.
Variant type: single nucleotide variant.
Coding change: c.1338T>A on transcript NM_020937.4 (MANE Select); coding-DNA position 1338, T replaced by A.
Protein change: p.Ser446Arg; replaces serine 446 with arginine.
Molecular consequence: missense variant.
Genome position (GRCh38, 1-based): chr14:45,155,401, T>A. VCF-style: chr14-45155401-T-A. GRCh37 (hg19) VCF-style: chr14-45624604-T-A.
Other names: c.1260T>A, p.Ser420Arg (NM_001308133.2); c.1338T>A, p.Ser446Arg (NM_001308134.2); short protein forms S420R, S446R.
Identifiers: ClinVar variation 5021534 (VCV005021534.1).

ClinVar aggregate classification (germline): Uncertain significance (1 of 4 stars; one submission).

Conditions:
Inborn genetic diseases. Identifiers: MedGen C0950123, MeSH D030342.

Submission:

Ambry Genetics
Classification: Uncertain significance for Inborn genetic diseases. Last evaluated: 2026-08-31. Review status: criteria provided, single submitter. Criteria: Ambry Variant Classification Scheme 2023. Collection method: clinical testing. Allele origin: germline.
Comment: The p.S446R variant (also known as c.1338T>A), located in coding exon 8 of the FANCM gene, results from a T to A substitution at nucleotide position 1338. The serine at codon 446 is replaced by arginine, an amino acid with dissimilar properties. This amino acid position is conserved. In addition, this alteration is predicted to be tolerated by in silico analysis. Based on the available evidence, the clinical significance of this variant remains unclear.